The following is an entry in ClinVar:

NM_000465.4(BARD1):c.144_151del (p.Arg49fs)

Gene: BARD1 (BRCA1 associated RING domain 1; minus strand). Cytogenetic location: 2q35.
Variant type: Deletion.
Coding change: c.144_151del on transcript NM_000465.4 (MANE Select); coding-DNA positions 144 to 151, 8 bases deleted (GCGCTGCT; older notation c.144_151delGCGCTGCT).
Protein change: p.Arg49fs; shifts the reading frame from arginine 49.
Molecular consequence: frameshift variant. On other transcripts: non-coding transcript variant (3).
Genome position (GRCh38, 1-based): chr2:214,809,419-214,809,426, AGCAGCGC deleted on the plus strand (GCGCTGCT on the coding strand, the reverse complement: BARD1 is on the minus strand); deleting any 8 consecutive bases within chr2:214,809,419-214,809,432 gives the same sequence; the c. name uses the placement nearest the transcript's 3' end. VCF-style (leftmost placement, unchanged base first): chr2-214809418-GAGCAGCGC-G. GRCh37 (hg19) VCF-style: chr2-215674142-GAGCAGCGC-G.
Other names: c.144_151del, p.Arg49fs (NM_001282543.2, NM_001282545.2, NM_001282548.2 and 1 more transcripts); short protein forms R49fs.
Identifiers: ClinVar variation 2583773 (VCV002583773.2), dbSNP rs2469637444, ClinGen allele CA2582342124.

ClinVar aggregate classification (germline): Pathogenic (1 of 4 stars; one submission).

Conditions:
Familial cancer of breast. Also called: BREAST CANCER, FAMILIAL; hereditary breast carcinoma; Hereditary breast cancer. Identifiers: Orphanet 227535, MedGen C0346153, MONDO:0016419, OMIM 114480. Disease mechanism: loss of function.

Submission:

Myriad Genetics, Inc.
Classification: Pathogenic for Familial cancer of breast. Last evaluated: 2023-05-18. Review status: criteria provided, single submitter. Criteria: Myriad Autosomal Dominant, Autosomal Recessive and X-Linked Classification Criteria (2023). Collection method: clinical testing. Allele origin: unknown.
Comment: This variant is considered pathogenic. This variant creates a frameshift predicted to result in premature protein truncation.